The following is an entry in ClinVar:

ClinVar aggregate classification (germline): Uncertain significance (1 of 4 stars; one submission).

Conditions:
Hartsfield-Bixler-Demyer syndrome (HRTFDS). Also called: FGFR1-Related Hartsfield Syndrome; Hartsfield syndrome; Holoprosencephaly, ectrodactyly, and bilateral cleft lip/palate. Identifiers: Orphanet 2117, MedGen C1845146, MONDO:0014196, OMIM 615465. Disease mechanism: loss of function.

Submission:

3billion
Classification: Uncertain significance for Hartsfield-Bixler-Demyer syndrome. Last evaluated: 2023-07-05. Review status: criteria provided, single submitter. Criteria: ACMG Guidelines, 2015. Collection method: clinical testing. Allele origin: germline. Affected: yes.
Comment: The variant is not observed in the gnomAD v2.1.1 dataset. Predicted Consequence/Location: Missense variant In silico tool predictions suggest damaging effect of the variant on gene or gene product (REVEL: 0.98; 3Cnet: 0.83). Therefore, this variant is classified as VUS according to the recommendation of ACMG/AMP guideline.

NM_023110.3(FGFR1):c.1451T>C (p.Leu484Pro)

Gene: FGFR1 (fibroblast growth factor receptor 1; minus strand). Cytogenetic location: 8p11.23.
Variant type: single nucleotide variant.
Coding change: c.1451T>C on transcript NM_023110.3 (MANE Select); coding-DNA position 1451, T replaced by C.
Protein change: p.Leu484Pro; replaces leucine 484 with proline.
Molecular consequence: missense variant.
Genome position (GRCh38, 1-based): chr8:38,417,971, A>G on the plus strand (T>C on the coding strand, the complement: FGFR1 is on the minus strand). VCF-style: chr8-38417971-A-G. GRCh37 (hg19) VCF-style: chr8-38275489-A-G.
Other names: c.1445T>C, p.Leu482Pro (NM_001174063.2, NM_001174065.2, NM_001354367.2 and 1 more transcripts); c.1421T>C, p.Leu474Pro (NM_001174064.2); c.1184T>C, p.Leu395Pro (NM_001174066.2, NM_023105.3); c.1544T>C, p.Leu515Pro (NM_001174067.2); c.1172T>C, p.Leu391Pro (NM_001354368.2); c.1439T>C, p.Leu480Pro (NM_001354369.2, NM_001410922.1); c.1178T>C, p.Leu393Pro (NM_001354370.2, NM_023106.3); short protein forms L391P, L393P, L395P, L474P, L480P, L482P, L484P, L515P.
Identifiers: ClinVar variation 3775189 (VCV003775189.1).